The following is an entry in ClinVar:

ClinVar aggregate classification (germline): Conflicting classifications of pathogenicity. Review status: criteria provided, conflicting classifications (1 of 4 stars). 4 submissions from 4 submitters: Uncertain significance (1); Benign (1); Likely benign (2). Last evaluated 2025-09-24.

Conditions:
MYPN-related disorder. Also called: MYPN-related condition.
Cardiovascular phenotype. Identifiers: MedGen CN230736.
Dilated cardiomyopathy 1KK (CMD1KK). Identifiers: Orphanet 154, Orphanet 75249, MedGen C3714995, MONDO:0014100, OMIM 615248.
Primary dilated cardiomyopathy (DCM). Also called: Dilated Cardiomyopathy. Identifiers: Orphanet 217604, MedGen C0007193, MeSH D002311, MONDO:0005021, HP:0001644. Inheritance: Various modes of inheritance.

Allele frequency attached by ClinVar (database versions not stated): 1000 Genomes Project 30x 0.00047; 1000 Genomes Project 0.00060; gnomAD exomes 0.00004 and 0.00020; gnomAD 0.00006 and 0.00007; TOPMed 0.00006; ExAC 0.00015.
gnomAD v4.1: 70 of 1,614,222 alleles (0.0043%); highest among the groups gnomAD compares: East Asian, 0.15%; no homozygotes.

Submissions (4):

Labcorp Genetics (formerly Invitae), Labcorp
Classification: Likely benign for Dilated cardiomyopathy 1KK. Last evaluated: 2025-09-24. Review status: criteria provided, single submitter. Criteria: Invitae Variant Classification Sherloc (09022015). Collection method: clinical testing. Allele origin: germline.

PreventionGenetics, part of Exact Sciences
Classification: Likely benign for MYPN-related condition. Last evaluated: 2025-09-23. Review status: criteria provided, single submitter. Criteria: ACMG Guidelines, 2015. Collection method: clinical testing. Allele origin: germline.
Comment: This variant is classified as likely benign based on ACMG/AMP sequence variant interpretation guidelines (Richards et al. 2015 PMID: 25741868, with internal and published modifications).

Ambry Genetics
Classification: Benign for Cardiovascular phenotype. Last evaluated: 2025-06-16. Review status: criteria provided, single submitter. Criteria: Ambry Variant Classification Scheme 2023. Collection method: clinical testing. Allele origin: germline.

Clinical Center for Gene Diagnosis and Therapy, Department of Cardiovascular Surgery, The Second Xiangya Hospital of Central South University
Classification: Uncertain significance for Primary dilated cardiomyopathy. Last evaluated: 2023-06-01. Review status: criteria provided, single submitter. Criteria: ACMG Guidelines, 2015. Collection method: clinical testing. Allele origin: germline. Affected: yes.

NM_032578.4(MYPN):c.3886T>A (p.Ser1296Thr)

Gene: MYPN (myopalladin; plus strand). Cytogenetic location: 10q21.3.
Variant type: single nucleotide variant.
Coding change: c.3886T>A on transcript NM_032578.4 (MANE Select); coding-DNA position 3886, T replaced by A.
Protein change: p.Ser1296Thr; replaces serine 1296 with threonine.
Molecular consequence: missense variant. On other transcripts: non-coding transcript variant (2).
Genome position (GRCh38, 1-based): chr10:68,210,378, T>A. VCF-style: chr10-68210378-T-A. GRCh37 (hg19) VCF-style: chr10-69970135-T-A.
Other names: c.3886T>A, p.Ser1296Thr (NM_001256267.2); c.3004T>A, p.Ser1002Thr (NM_001256268.2); c.3886T>A (NM_032578.2); short protein forms S1296T, S1002T.
Identifiers: ClinVar variation 180452 (VCV000180452.20), dbSNP rs199585352, ClinGen allele CA346541.